The following is an entry in ClinVar:

NM_213720.3(CHCHD10):c.410-3C>G

Gene: CHCHD10 (coiled-coil-helix-coiled-coil-helix domain containing 10; minus strand). Cytogenetic location: 22q11.23.
Variant type: single nucleotide variant.
Coding change: c.410-3C>G on transcript NM_213720.3 (MANE Select); 3 bases into the intron before coding-DNA position 410, C replaced by G.
Molecular consequence: intron variant.
Genome position (GRCh38, 1-based): chr22:23,766,029, G>C on the plus strand (C>G on the coding strand, the complement: CHCHD10 is on the minus strand). VCF-style: chr22-23766029-G-C. GRCh37 (hg19) VCF-style: chr22-24108216-G-C.
Other names: c.431-3C>G (NM_001301339.2).
Identifiers: ClinVar variation 2943481 (VCV002943481.3), dbSNP rs767630947, ClinGen allele CA2740094798.

ClinVar aggregate classification (germline): Uncertain significance (1 of 4 stars; one submission).

Conditions:
Lower motor neuron syndrome with late-adult onset (SMAJ). Also called: Spinal muscular atrophy, Jokela type; Late-Onset Spinal Motor Neuronopathy (SMAJ). Identifiers: Orphanet 276435, MedGen C3554398, MONDO:0014025, OMIM 615048.
Autosomal dominant mitochondrial myopathy with exercise intolerance (IMMD). Also called: Myopathy, isolated mitochondrial, autosomal dominant. Identifiers: Orphanet 457050, MedGen C4015513, MONDO:0014532, OMIM 616209.
Frontotemporal dementia and/or amyotrophic lateral sclerosis 2. Also called: FTDALS2. Identifiers: Orphanet 275872, MedGen C4014648, MONDO:0014395, OMIM 615911.

Submission:

Labcorp Genetics (formerly Invitae), Labcorp
Classification: Uncertain significance for Lower motor neuron syndrome with late-adult onset; Frontotemporal dementia and/or amyotrophic lateral sclerosis 2; Autosomal dominant mitochondrial myopathy with exercise intolerance. Last evaluated: 2023-01-21. Review status: criteria provided, single submitter. Criteria: Invitae Variant Classification Sherloc (09022015). Collection method: clinical testing. Allele origin: germline.
Comment: In summary, the available evidence is currently insufficient to determine the role of this variant in disease. Therefore, it has been classified as a Variant of Uncertain Significance. Variants that disrupt the consensus splice site are a relatively common cause of aberrant splicing (PMID: 17576681, 9536098). Algorithms developed to predict the effect of sequence changes on RNA splicing suggest that this variant may create or strengthen a splice site. This variant has not been reported in the literature in individuals affected with CHCHD10-related conditions. This variant is not present in population databases (gnomAD no frequency). This sequence change falls in intron 3 of the CHCHD10 gene. It does not directly change the encoded amino acid sequence of the CHCHD10 protein. It affects a nucleotide within the consensus splice site.

Literature cited by the submitters: PubMed 17576681; PubMed 9536098.